The following is an entry in ClinVar:

NM_005720.4(ARPC1B):c.1073A>G (p.Asp358Gly)

Gene: ARPC1B (actin related protein 2/3 complex subunit 1B; plus strand). Cytogenetic location: 7q22.1.
Variant type: single nucleotide variant.
Coding change: c.1073A>G on transcript NM_005720.4 (MANE Select); coding-DNA position 1073, A replaced by G.
Protein change: p.Asp358Gly; replaces aspartic acid 358 with glycine.
Molecular consequence: missense variant.
Genome position (GRCh38, 1-based): chr7:99,394,112, A>G. VCF-style: chr7-99394112-A-G. GRCh37 (hg19) VCF-style: chr7-98991735-A-G.
Other names: short protein forms D358G.
Identifiers: ClinVar variation 1504773 (VCV001504773.8), dbSNP rs2150899797, ClinGen allele CA368330207.

ClinVar aggregate classification (germline): Uncertain significance (1 of 4 stars; one submission).

Submission:

Labcorp Genetics (formerly Invitae), Labcorp
Classification: Uncertain significance. Last evaluated: 2021-07-12. Review status: criteria provided, single submitter. Criteria: Invitae Variant Classification Sherloc (09022015). Collection method: clinical testing. Allele origin: germline.
Comment: This variant is not present in population databases (ExAC no frequency). This sequence change replaces aspartic acid with glycine at codon 358 of the ARPC1B protein (p.Asp358Gly). The aspartic acid residue is moderately conserved and there is a moderate physicochemical difference between aspartic acid and glycine. This variant has not been reported in the literature in individuals affected with ARPC1B-related conditions. Algorithms developed to predict the effect of missense changes on protein structure and function are either unavailable or do not agree on the potential impact of this missense change (SIFT: "Tolerated"; PolyPhen-2: "Probably Damaging"; Align-GVGD: "Class C0"). In summary, the available evidence is currently insufficient to determine the role of this variant in disease. Therefore, it has been classified as a Variant of Uncertain Significance.